The following is an entry in ClinVar:

ClinVar aggregate classification (germline): Uncertain significance (1 of 4 stars; one submission).

Submission:

GeneDx
Classification: Uncertain significance. Last evaluated: 2025-02-12. Review status: criteria provided, single submitter. Criteria: GeneDx Variant Classification Process June 2021. Collection method: clinical testing. Allele origin: germline. Affected: yes.
Comment: Not observed at significant frequency in large population cohorts (gnomAD); In silico analysis supports that this missense variant has a deleterious effect on protein structure/function; Has not been previously published as pathogenic or benign to our knowledge; This variant is associated with the following publications: (PMID: 25486365, 22807134)

NM_001042492.3(NF1):c.4033A>G (p.Lys1345Glu)

Gene: NF1 (neurofibromin 1; plus strand). Cytogenetic location: 17q11.2.
Variant type: single nucleotide variant.
Coding change: c.4033A>G on transcript NM_001042492.3 (MANE Select); coding-DNA position 4033, A replaced by G.
Protein change: p.Lys1345Glu; replaces lysine 1345 with glutamic acid.
Molecular consequence: missense variant.
Genome position (GRCh38, 1-based): chr17:31,249,042, A>G. VCF-style: chr17-31249042-A-G. GRCh37 (hg19) VCF-style: chr17-29576060-A-G.
Other names: c.4033A>G, p.Lys1345Glu (NM_000267.4); short protein forms K1345E.
Identifiers: ClinVar variation 4075657 (VCV004075657.1).